The following is an entry in ClinVar:

NM_001035.3(RYR2):c.1962-12G>T

Gene: RYR2 (ryanodine receptor 2; plus strand). Cytogenetic location: 1q43.
Variant type: single nucleotide variant.
Coding change: c.1962-12G>T on transcript NM_001035.3 (MANE Select); 12 bases into the intron before coding-DNA position 1962, G replaced by T.
Molecular consequence: intron variant.
Genome position (GRCh38, 1-based): chr1:237,496,499, G>T. VCF-style: chr1-237496499-G-T. GRCh37 (hg19) VCF-style: chr1-237659799-G-T.
Identifiers: ClinVar variation 3074217 (VCV003074217.5), dbSNP rs368241264, ClinGen allele CA39825010.

ClinVar aggregate classification (germline): Likely benign. Review status: criteria provided, multiple submitters, no conflicts (2 of 4 stars). 3 submissions from 3 submitters: Likely benign (3). Last evaluated 2024-12-08.

Conditions:
Catecholaminergic polymorphic ventricular tachycardia (CVPT). Also called: Catecholamine-induced polymorphic ventricular tachycardia. Identifiers: Orphanet 3286, MedGen C5574922, MONDO:0017990.
Cardiomyopathy (CMYO). Also called: Cardiomyopathies. Identifiers: Orphanet 167848, MedGen C0878544, MONDO:0004994, HP:0001638. Inheritance: Various modes of inheritance.
Catecholaminergic polymorphic ventricular tachycardia 1. Also called: VENTRICULAR TACHYCARDIA, CATECHOLAMINERGIC POLYMORPHIC, 1, WITH OR WITHOUT ATRIAL DYSFUNCTION AND/OR DILATED CARDIOMYOPATHY; RYR2-Related Catecholaminergic Polymorphic Ventricular Tachycardia; VENTRICULAR TACHYCARDIA, STRESS-INDUCED POLYMORPHIC 1. Identifiers: Orphanet 3286, MedGen C1631597, MONDO:0011484, OMIM 604772.

gnomAD v4.1: 11 of 1,609,018 alleles (0.00068%); highest among the groups gnomAD compares: Non-Finnish European, 0.00094%; no homozygotes.

Submissions (3):

Labcorp Genetics (formerly Invitae), Labcorp
Classification: Likely benign for Catecholaminergic polymorphic ventricular tachycardia 1. Last evaluated: 2024-12-08. Review status: criteria provided, single submitter. Criteria: Invitae Variant Classification Sherloc (09022015). Collection method: clinical testing. Allele origin: germline.

All of Us Research Program, National Institutes of Health
Classification: Likely benign for Catecholaminergic polymorphic ventricular tachycardia. Last evaluated: 2024-09-23. Review status: criteria provided, single submitter. Criteria: ACMG Guidelines, 2015. Collection method: clinical testing. Allele origin: germline. Inheritance: Autosomal dominant inheritance. Observed: 3 variant alleles, 3 heterozygotes.
Comment: This study involves interpretation of variants in research participants for the purpose of population health screening. Participant phenotype was not available at the time of variant classification. Additional details can be found in publication PMID: 35346344, PMCID: PMC8962531

Color Diagnostics, LLC DBA Color Health
Classification: Likely benign for Cardiomyopathy. Last evaluated: 2024-05-16. Review status: criteria provided, single submitter. Criteria: ACMG Guidelines, 2015. Collection method: clinical testing. Allele origin: germline.